The following is an entry in ClinVar:

NM_001142966.3(GREB1L):c.5633A>G (p.Gln1878Arg)

Gene: GREB1L (GREB1 like retinoic acid receptor coactivator; plus strand). Cytogenetic location: 18q11.2.
Variant type: single nucleotide variant.
Coding change: c.5633A>G on transcript NM_001142966.3 (MANE Select); coding-DNA position 5633, A replaced by G.
Protein change: p.Gln1878Arg; replaces glutamine 1878 with arginine.
Molecular consequence: missense variant.
Genome position (GRCh38, 1-based): chr18:21,522,682, A>G. VCF-style: chr18-21522682-A-G. GRCh37 (hg19) VCF-style: chr18-19102643-A-G.
Other names: c.5762A>G, p.Gln1921Arg (NM_001410867.1); c.5306A>G, p.Gln1769Arg (NM_001410868.1); short protein forms Q1878R, Q1921R, Q1769R.
Identifiers: ClinVar variation 2993088 (VCV002993088.3), dbSNP rs1000857274, ClinGen allele CA296938523.

ClinVar aggregate classification (germline): Uncertain significance (1 of 4 stars; one submission).

gnomAD v4.1: 1 of 1,551,650 alleles (0.000064%); no homozygotes.

Submission:

Labcorp Genetics (formerly Invitae), Labcorp
Classification: Uncertain significance. Last evaluated: 2023-12-11. Review status: criteria provided, single submitter. Criteria: Invitae Variant Classification Sherloc (09022015). Collection method: clinical testing. Allele origin: germline.
Comment: This sequence change replaces glutamine, which is neutral and polar, with arginine, which is basic and polar, at codon 1878 of the GREB1L protein (p.Gln1878Arg). This variant is not present in population databases (gnomAD no frequency). This variant has not been reported in the literature in individuals affected with GREB1L-related conditions. An algorithm developed to predict the effect of missense changes on protein structure and function (PolyPhen-2) suggests that this variant is likely to be disruptive. In summary, the available evidence is currently insufficient to determine the role of this variant in disease. Therefore, it has been classified as a Variant of Uncertain Significance.